The following is an entry in ClinVar:

ClinVar aggregate classification (germline): Uncertain significance. Review status: criteria provided, multiple submitters, no conflicts (2 of 4 stars). 2 submissions from 2 submitters: Uncertain significance (2). Last evaluated 2025-06-11.

Conditions:
Agammaglobulinemia 2, autosomal recessive (AGM2). Also called: AGAMMAGLOBULINEMIA, AUTOSOMAL RECESSIVE, DUE TO IGLL1 DEFECT. Identifiers: MedGen C3150750, MONDO:0013287, OMIM 613500.

Allele frequency attached by ClinVar (database versions not stated): gnomAD exomes 0.00001 and 0.00002; ExAC 0.00002; gnomAD 0.00002; TOPMed 0.00002.

Submissions (2):

Labcorp Genetics (formerly Invitae), Labcorp
Classification: Uncertain significance for Agammaglobulinemia 2, autosomal recessive. Last evaluated: 2025-06-11. Review status: criteria provided, single submitter. Criteria: Invitae Variant Classification Sherloc (09022015). Collection method: clinical testing. Allele origin: germline.
Comment: This sequence change replaces valine, which is neutral and non-polar, with isoleucine, which is neutral and non-polar, at codon 106 of the IGLL1 protein (p.Val106Ile). This variant is present in population databases (rs747083240, gnomAD 0.006%). This variant has not been reported in the literature in individuals affected with IGLL1-related conditions. ClinVar contains an entry for this variant (Variation ID: 651440). An algorithm developed to predict the effect of missense changes on protein structure and function outputs the following: PolyPhen-2: "Benign". The isoleucine amino acid residue is found in multiple mammalian species, which suggests that this missense change does not adversely affect protein function. In summary, the available evidence is currently insufficient to determine the role of this variant in disease. Therefore, it has been classified as a Variant of Uncertain Significance.

Blueprint Genetics
Classification: Uncertain significance. Last evaluated: 2021-04-01. Review status: criteria provided, single submitter. Criteria: ACMG Guidelines, 2015. Collection method: clinical testing. Allele origin: germline.

NM_020070.4(IGLL1):c.316G>A (p.Val106Ile)

Gene: IGLL1 (immunoglobulin lambda like polypeptide 1; minus strand). Cytogenetic location: 22q11.23.
Variant type: single nucleotide variant.
Coding change: c.316G>A on transcript NM_020070.4 (MANE Select); coding-DNA position 316, G replaced by A.
Protein change: p.Val106Ile; replaces valine 106 with isoleucine.
Molecular consequence: missense variant. On other transcripts: intron variant (1).
Genome position (GRCh38, 1-based): chr22:23,574,973, C>T on the plus strand (G>A on the coding strand, the complement: IGLL1 is on the minus strand). VCF-style: chr22-23574973-C-T. GRCh37 (hg19) VCF-style: chr22-23917160-C-T.
Other names: c.319G>A, p.Val107Ile (NM_001369906.1); c.207-1388G>A (NM_152855.3); short protein forms V107I, V106I.
Identifiers: ClinVar variation 651440 (VCV000651440.7), dbSNP rs747083240, ClinGen allele CA10143337.